The following is an entry in ClinVar:

NM_004370.6(COL12A1):c.8297A>C (p.Glu2766Ala)

Gene: COL12A1 (collagen type XII alpha 1 chain; minus strand). Cytogenetic location: 6q13.
Variant type: single nucleotide variant.
Coding change: c.8297A>C on transcript NM_004370.6 (MANE Select); coding-DNA position 8297, A replaced by C.
Protein change: p.Glu2766Ala; replaces glutamic acid 2766 with alanine.
Molecular consequence: missense variant.
Genome position (GRCh38, 1-based): chr6:75,103,779, T>G on the plus strand (A>C on the coding strand, the complement: COL12A1 is on the minus strand). VCF-style: chr6-75103779-T-G. GRCh37 (hg19) VCF-style: chr6-75813495-T-G.
Other names: c.8297A>C, p.Glu2766Ala (NM_001424113.1); c.8276A>C, p.Glu2759Ala (NM_001424114.1); c.8024A>C, p.Glu2675Ala (NM_001424115.1); c.4805A>C, p.Glu1602Ala (NM_001424116.1, NM_080645.3); short protein forms E1602A, E2675A, E2759A, E2766A.
Identifiers: ClinVar variation 3760633 (VCV003760633.2).

ClinVar aggregate classification (germline): Uncertain significance (1 of 4 stars; one submission).

Conditions:
Ullrich congenital muscular dystrophy 2 (UCMD2). Identifiers: Orphanet 75840, MedGen C4225314, MONDO:0014654, OMIM 616470.
Bethlem myopathy 2 (BTHLM2). Identifiers: Orphanet 536516, Orphanet 610, MedGen C4225313, MONDO:0034022, OMIM 616471.

gnomAD v4.1: 10 of 1,613,510 alleles (0.00062%); highest among the groups gnomAD compares: Non-Finnish European, 0.00085%; no homozygotes.

Submission:

Labcorp Genetics (formerly Invitae), Labcorp
Classification: Uncertain significance for Bethlem myopathy 2; Ullrich congenital muscular dystrophy 2. Last evaluated: 2024-05-04. Review status: criteria provided, single submitter. Criteria: Invitae Variant Classification Sherloc (09022015). Collection method: clinical testing. Allele origin: germline.
Comment: This sequence change replaces glutamic acid, which is acidic and polar, with alanine, which is neutral and non-polar, at codon 2766 of the COL12A1 protein (p.Glu2766Ala). This variant is not present in population databases (gnomAD no frequency). This variant has not been reported in the literature in individuals affected with COL12A1-related conditions. Advanced modeling of protein sequence and biophysical properties (such as structural, functional, and spatial information, amino acid conservation, physicochemical variation, residue mobility, and thermodynamic stability) performed at Invitae indicates that this missense variant is not expected to disrupt COL12A1 protein function with a negative predictive value of 80%. In summary, the available evidence is currently insufficient to determine the role of this variant in disease. Therefore, it has been classified as a Variant of Uncertain Significance.